The following is an entry in ClinVar:

ClinVar aggregate classification (germline): Uncertain significance (1 of 4 stars; one submission).

Conditions:
Early-infantile DEE. Also called: Early infantile epileptic encephalopathy; Early infantile epileptic encephalopathy with suppression bursts; Ohtahara syndrome. Identifiers: Orphanet 1934, MedGen C0393706, MONDO:0800491.

Submission:

Labcorp Genetics (formerly Invitae), Labcorp
Classification: Uncertain significance for Early-infantile DEE. Last evaluated: 2024-11-14. Review status: criteria provided, single submitter. Criteria: Invitae Variant Classification Sherloc (09022015). Collection method: clinical testing. Allele origin: germline.
Comment: This sequence change falls in intron 20 of the SCN1A gene. It does not directly change the encoded amino acid sequence of the SCN1A protein. However, this sequence change falls within a region encompassing a cryptic exon in the SCN1A gene, in which variants have been shown to alter splicing (PMID: 30526861, 34107977). This variant is not present in population databases (gnomAD no frequency). This variant has not been reported in the literature in individuals affected with SCN1A-related conditions. ClinVar contains an entry for this variant (Variation ID: 2104231). Algorithms developed to predict the effect of sequence changes on RNA splicing suggest that this variant is not likely to affect RNA splicing. In summary, the available evidence is currently insufficient to determine the role of this variant in disease. Therefore, it has been classified as a Variant of Uncertain Significance.

Literature cited by the submitters: PubMed 30526861; PubMed 34107977.

NM_001165963.4(SCN1A):c.4002+2401A>G

Genes: SCN1A (sodium voltage-gated channel alpha subunit 1; minus strand), LOC102724058 (uncharacterized LOC102724058; plus strand). Cytogenetic location: 2q24.3.
Variant type: single nucleotide variant.
Coding change: c.4002+2401A>G on transcript NM_001165963.4 (MANE Select); 2401 bases into the intron after coding-DNA position 4002, A replaced by G.
Molecular consequence: intron variant.
Genome position (GRCh38, 1-based): chr2:166,007,318, T>C on the plus strand (A>G on the coding strand, the complement: SCN1A is on the minus strand). VCF-style: chr2-166007318-T-C. GRCh37 (hg19) VCF-style: chr2-166863828-T-C.
Other names: c.3969+2401A>G (NM_001353949.2, NM_001353950.2, NM_001353951.2 and 2 more transcripts); c.3918+2401A>G (NM_001353958.2, NM_001353957.2, NM_001165964.3); c.4002+2401A>G (NM_001202435.3, NM_001353948.2); c.3966+2401A>G (NM_001353955.2, NM_001353954.2); c.3915+2401A>G (NM_001353960.2); c.1560+2401A>G (NM_001353961.2).
Identifiers: ClinVar variation 2104231 (VCV002104231.4), dbSNP rs1691793674, ClinGen allele CA1304846286.